The following is an entry in ClinVar:

NM_004046.6(ATP5F1A):c.815C>G (p.Thr272Ser)

Gene: ATP5F1A (ATP synthase F1 subunit alpha; minus strand). Cytogenetic location: 18q21.1.
Variant type: single nucleotide variant.
Coding change: c.815C>G on transcript NM_004046.6 (MANE Select); coding-DNA position 815, C replaced by G.
Protein change: p.Thr272Ser; replaces threonine 272 with serine.
Molecular consequence: missense variant.
Genome position (GRCh38, 1-based): chr18:46,087,477, G>C on the plus strand (C>G on the coding strand, the complement: ATP5F1A is on the minus strand). VCF-style: chr18-46087477-G-C. GRCh37 (hg19) VCF-style: chr18-43667443-G-C.
Other names: c.665C>G, p.Thr222Ser (NM_001001935.3, NM_001257335.2); c.815C>G, p.Thr272Ser (NM_001001937.2); c.749C>G, p.Thr250Ser (NM_001257334.2); short protein forms T272S, T222S, T250S.
Identifiers: ClinVar variation 2769502 (VCV002769502.3), dbSNP rs2512304626, ClinGen allele CA402355574.

ClinVar aggregate classification (germline): Uncertain significance (1 of 4 stars; one submission).

Submission:

Labcorp Genetics (formerly Invitae), Labcorp
Classification: Uncertain significance. Last evaluated: 2023-10-20. Review status: criteria provided, single submitter. Criteria: Invitae Variant Classification Sherloc (09022015). Collection method: clinical testing. Allele origin: germline.
Comment: This sequence change replaces threonine, which is neutral and polar, with serine, which is neutral and polar, at codon 272 of the ATP5A1 protein (p.Thr272Ser). This variant is not present in population databases (gnomAD no frequency). This variant has not been reported in the literature in individuals affected with ATP5A1-related conditions. Advanced modeling of protein sequence and biophysical properties (such as structural, functional, and spatial information, amino acid conservation, physicochemical variation, residue mobility, and thermodynamic stability) performed at Invitae indicates that this missense variant is not expected to disrupt ATP5A1 protein function. In summary, the available evidence is currently insufficient to determine the role of this variant in disease. Therefore, it has been classified as a Variant of Uncertain Significance.